The following is an entry in ClinVar:

NC_000011.10:g.(?_2585212)_(2587692_?)del

Gene: KCNQ1 (potassium voltage-gated channel subfamily Q member 1; plus strand). Cytogenetic location: 11p15.5.
Variant type: Deletion.
Identifiers: ClinVar variation 417342 (VCV000417342.1).

ClinVar aggregate classification (germline): Pathogenic (1 of 4 stars; one submission).

Conditions:
Long QT syndrome (LQTS). Identifiers: MedGen C0023976, MeSH D008133, MONDO:0002442. Disease mechanism: loss of function. Inheritance: Various modes of inheritance.

Submission:

Labcorp Genetics (formerly Invitae), Labcorp
Classification: Pathogenic for Long QT syndrome. Last evaluated: 2016-10-18. Review status: criteria provided, single submitter. Criteria: Invitae Variant Classification Sherloc (09022015). Collection method: clinical testing. Allele origin: germline.
Comment: This variant is a gross deletion of the genomic region encompassing exons 8-9 of the KCNQ1 gene. This leads to an in-frame deletion, preserving the integrity of the reading frame. Similar deletions of exons encompassing 8-9 have been reported in the literature in individuals affected with long QT syndrome (PMID:25494010, 24606995). Missense substitutions (p.Lys362Arg, p.Arg380Ser) within exons 8-9 are reported to be deleterious (PMID: 15840476, 24947509, 15840476, 17222736). This indicates that exons 8-9 are important for KCNQ1 protein function For these reasons, this sequence change has been classified as Pathogenic.